The following is an entry in ClinVar:

ClinVar aggregate classification (germline): Uncertain significance (1 of 4 stars; one submission).

Conditions:
Cardiomyopathy, familial hypertrophic 27. Identifiers: MedGen C4748014, MONDO:0054838, OMIM 618052.

gnomAD v4.1: 3 of 1,614,170 alleles (0.00019%); highest among the groups gnomAD compares: Middle Eastern, 0.017%; no homozygotes.

Submission:

ARUP Laboratories, Molecular Genetics and Genomics, ARUP Laboratories
Classification: Uncertain significance for Cardiomyopathy, familial hypertrophic 27. Last evaluated: 2025-03-03. Review status: criteria provided, single submitter. Criteria: ARUP Molecular Germline Variant Investigation Process 2024. Collection method: clinical testing. Allele origin: germline.
Comment: The ALPK3 c.3844G>A; p.Val1282Met variant (rs1198849173), to our knowledge, is not reported in the medical literature or gene specific databases. This variant is also absent from the Genome Aggregation Database (v2.1.1), indicating it is not a common polymorphism. Computational analyses predict that this variant is neutral (REVEL: 0.119). Due to limited information, the clinical significance of this variant is uncertain at this time.

NM_020778.5(ALPK3):c.3844G>A (p.Val1282Met)

Gene: ALPK3 (alpha kinase 3; plus strand). Cytogenetic location: 15q25.3.
Variant type: single nucleotide variant.
Coding change: c.3844G>A on transcript NM_020778.5 (MANE Select); coding-DNA position 3844, G replaced by A.
Protein change: p.Val1282Met; replaces valine 1282 with methionine.
Molecular consequence: missense variant.
Genome position (GRCh38, 1-based): chr15:84,859,269, G>A. VCF-style: chr15-84859269-G-A. GRCh37 (hg19) VCF-style: chr15-85402500-G-A.
Other names: short protein forms V1282M.
Identifiers: ClinVar variation 4685656 (VCV004685656.1).